The following is an entry in ClinVar:

NM_000051.4(ATM):c.7408T>G (p.Tyr2470Asp)

Genes: ATM (ATM serine/threonine kinase; plus strand), C11orf65 (chromosome 11 open reading frame 65; minus strand). Cytogenetic location: 11q22.3.
Variant type: single nucleotide variant.
Coding change: c.7408T>G on transcript NM_000051.4 (MANE Select); coding-DNA position 7408, T replaced by G.
Protein change: p.Tyr2470Asp; replaces tyrosine 2470 with aspartic acid.
Molecular consequence: missense variant. On other transcripts: intron variant (2).
Genome position (GRCh38, 1-based): chr11:108,330,314, T>G. VCF-style: chr11-108330314-T-G. GRCh37 (hg19) VCF-style: chr11-108201041-T-G.
Other names: c.7408T>G, p.Tyr2470Asp (NM_001351834.2); c.641-21243A>C (NM_001330368.2); c.*38+4906A>C (NM_001351110.2); short protein forms Y2470D.
Identifiers: ClinVar variation 231789 (VCV000231789.19), dbSNP rs876659365, ClinGen allele CA10579258.

ClinVar aggregate classification (germline): Pathogenic/Likely pathogenic. Review status: criteria provided, multiple submitters, no conflicts (2 of 4 stars). 6 submissions from 6 submitters: Pathogenic (4); Likely pathogenic (1). 1 of the submissions does not count toward it. Last evaluated 2025-12-09.

Conditions:
Hereditary cancer-predisposing syndrome. Also called: Neoplastic Syndromes, Hereditary; Hereditary neoplastic syndrome; Tumor predisposition; Hereditary Cancer Syndrome. Identifiers: Orphanet 140162, MedGen C0027672, MeSH D009386, MONDO:0015356.
Ataxia-telangiectasia syndrome (AT). Also called: Ataxia telangiectasia (A-T); Cerebello-oculocutaneous telangiectasia; Immunodeficiency with ataxia telangiectasia; LOUIS-BAR SYNDROME; AT, COMPLEMENTATION GROUP C; ATAXIA-TELANGIECTASIA, FRESNO VARIANT. Identifiers: Orphanet 100, MedGen C0004135, MONDO:0008840, OMIM 208900.
Familial cancer of breast. Also called: hereditary breast carcinoma; Hereditary breast cancer; BREAST CANCER, FAMILIAL. Identifiers: Orphanet 227535, MedGen C0346153, MONDO:0016419, OMIM 114480. Disease mechanism: loss of function.

Allele frequency attached by ClinVar (database versions not stated): gnomAD exomes below 0.00001.
gnomAD v4.1: 2 of 1,614,094 alleles (0.00012%); highest among the groups gnomAD compares: Non-Finnish European, 0.00017%; no homozygotes.

Submissions (6):

Labcorp Genetics (formerly Invitae), Labcorp
Classification: Pathogenic for Ataxia-telangiectasia syndrome. Last evaluated: 2025-12-09. Review status: criteria provided, single submitter. Criteria: Invitae Variant Classification Sherloc (09022015). Collection method: clinical testing. Allele origin: germline.
Comment: This sequence change replaces tyrosine, which is neutral and polar, with aspartic acid, which is acidic and polar, at codon 2470 of the ATM protein (p.Tyr2470Asp). This variant is not present in population databases (gnomAD no frequency). This missense change has been observed in individual(s) with ataxia-telangiectasia (PMID: 9887333, 19691550, 21665257). In at least one individual the data is consistent with being in trans (on the opposite chromosome) from a pathogenic variant. ClinVar contains an entry for this variant (Variation ID: 231789). Invitae Evidence Modeling of protein sequence and biophysical properties (such as structural, functional, and spatial information, amino acid conservation, physicochemical variation, residue mobility, and thermodynamic stability) indicates that this missense variant is expected to disrupt ATM protein function with a positive predictive value of 95%. For these reasons, this variant has been classified as Pathogenic.

Ambry Genetics
Classification: Pathogenic for Hereditary cancer-predisposing syndrome. Last evaluated: 2024-12-20. Review status: criteria provided, single submitter. Criteria: Ambry Variant Classification Scheme 2023. Collection method: clinical testing. Allele origin: germline.
Comment: The p.Y2470D pathogenic mutation (also known as c.7408T>G), located in coding exon 49 of the ATM gene, results from a T to G substitution at nucleotide position 7408. The tyrosine at codon 2470 is replaced by aspartic acid, an amino acid with highly dissimilar properties. This alteration has been reported in multiple patients with ataxia telangiectasia (A-T) including one patient who was homozygous for this variant (Sandoval N, Hum. Mol. Genet. 1999 Jan; Chessa L, Ann. Hum. Genet. 2009 Sep; 73(Pt 5):532-9; 8(1):69-79; Micol R et al. J Allergy Clin Immunol, 2011 Aug;128:382-9.e1; Zannolli R et al. Mov Disord, 2012 Sep;27:1312-6; Prodosmo A, J. Clin. Invest. 2013 Mar; 123(3):1335-42). This alteration was also detected in a cohort of 523 Italian male breast cancer patients screened by a multigene custom panel of 50 cancer-associated genes (Rizzolo P et al. Int J Cancer, 2019 07;145:390-400). This variant is considered to be rare based on population cohorts in the Genome Aggregation Database (gnomAD). This amino acid position is highly conserved in available vertebrate species. In addition, this alteration is predicted to be deleterious by in silico analysis. Based on the supporting evidence, this variant is interpreted as a disease-causing mutation.

Myriad Genetics, Inc.
Classification: Likely pathogenic for Familial cancer of breast. Last evaluated: 2024-01-31. Review status: criteria provided, single submitter. Criteria: Myriad Autosomal Dominant, Autosomal Recessive and X-Linked Classification Criteria (2023). Collection method: clinical testing. Allele origin: unknown.
Comment: This variant is considered likely pathogenic. This variant has been reported in multiple individuals with clinical features of gene-specific disease [PMID: 9887333, 19691550, 21665257].

Baylor Genetics
Classification: Pathogenic for Familial cancer of breast. Last evaluated: 2023-06-29. Review status: criteria provided, single submitter. Criteria: ACMG Guidelines, 2015. Collection method: clinical testing. Allele origin: unknown.

Mendelics
Classification: Pathogenic for Familial cancer of breast. Last evaluated: 2022-05-04. Review status: criteria provided, single submitter. Criteria: Mendelics Assertion Criteria 2019. Collection method: clinical testing. Allele origin: germline.

Counsyl
Classification: Likely pathogenic for Ataxia-telangiectasia syndrome. Last evaluated: 2016-12-21. Review status: no assertion criteria provided. Collection method: clinical testing. Allele origin: unknown. Not counted in ClinVar's aggregate classification.

Literature cited by the submitters: PubMed 9887333 (cited by 4 submitters); PubMed 19691550 (cited by 4 submitters); PubMed 21665257 (cited by 4 submitters); PubMed 22927201 (cited by Ambry Genetics); PubMed 23454770 (cited by Ambry Genetics); PubMed 30613976 (cited by Ambry Genetics).